The following is an entry in ClinVar:

NM_006361.6(HOXB13):c.495T>C (p.Pro165=)

Gene: HOXB13 (homeobox B13; minus strand). Cytogenetic location: 17q21.32.
Variant type: single nucleotide variant.
Coding change: c.495T>C on transcript NM_006361.6 (MANE Select); coding-DNA position 495, T replaced by C.
Protein change: p.Pro165=; no amino-acid change (proline 165 retained).
Molecular consequence: synonymous variant.
Genome position (GRCh38, 1-based): chr17:48,728,099, A>G on the plus strand (T>C on the coding strand, the complement: HOXB13 is on the minus strand). VCF-style: chr17-48728099-A-G. GRCh37 (hg19) VCF-style: chr17-46805461-A-G.
Identifiers: ClinVar variation 2870494 (VCV002870494.4), dbSNP rs1597934010, ClinGen allele CA500660859.

ClinVar aggregate classification (germline): Benign/Likely benign. Review status: criteria provided, multiple submitters, no conflicts (2 of 4 stars). 2 submissions from 2 submitters: Benign (1); Likely benign (1). Last evaluated 2025-07-31.

Conditions:
Prostate cancer, hereditary, 9 (HPC9). Identifiers: Orphanet 1331, MedGen C1970250, MONDO:0012597, OMIM 610997.

Submissions (2):

Labcorp Genetics (formerly Invitae), Labcorp
Classification: Likely benign. Last evaluated: 2025-07-31. Review status: criteria provided, single submitter. Criteria: Invitae Variant Classification Sherloc (09022015). Collection method: clinical testing. Allele origin: germline.

Myriad Genetics, Inc.
Classification: Benign for Prostate cancer, hereditary, 9. Last evaluated: 2024-10-30. Review status: criteria provided, single submitter. Criteria: Myriad Autosomal Dominant, Autosomal Recessive and X-Linked Classification Criteria (2023). Collection method: clinical testing. Allele origin: unknown.
Comment: This variant is considered benign. This variant is a silent/synonymous amino acid change and it is not expected to impact splicing.